The following is an entry in ClinVar:

NM_000264.5(PTCH1):c.318_334del (p.Leu107fs)

Gene: PTCH1 (patched 1; minus strand). Cytogenetic location: 9q22.32.
Variant type: Deletion.
Coding change: c.318_334del on transcript NM_000264.5 (MANE Select); coding-DNA positions 318 to 334, 17 bases deleted (CCTCATATTTGGGGCCT).
Protein change: p.Leu107fs; shifts the reading frame from leucine 107.
Molecular consequence: frameshift variant. On other transcripts: 5 prime UTR variant (4), non-coding transcript variant (1).
Genome position (GRCh38, 1-based): chr9:95,506,467-95,506,483, AGGCCCCAAATATGAGG deleted on the plus strand (CCTCATATTTGGGGCCT on the coding strand, the reverse complement: PTCH1 is on the minus strand); deleting any 17 consecutive bases within chr9:95,506,467-95,506,489 gives the same sequence; the c. name uses the placement nearest the transcript's 3' end. VCF-style (leftmost placement, unchanged base first): chr9-95506466-AAGGCCCCAAATATGAGG-A. GRCh37 (hg19) VCF-style: chr9-98268748-AAGGCCCCAAATATGAGG-A.
Other names: c.120_136del, p.Leu41fs (NM_001083602.3, NM_001354919.2); c.315_331del, p.Leu106fs (NM_001083603.3); c.-136_-120del (NM_001083604.3, NM_001083605.3, NM_001083606.3 and 1 more transcripts); c.318_334del, p.Leu107fs (NM_001354918.2); short protein forms L106fs, L107fs, L41fs.
Identifiers: ClinVar variation 1333402 (VCV001333402.2), dbSNP rs2118876177, ClinGen allele CA2573053212.

ClinVar aggregate classification (germline): Likely pathogenic. Review status: criteria provided, multiple submitters, no conflicts (2 of 4 stars). 2 submissions from 2 submitters: Likely pathogenic (2). Last evaluated 2022-10-12.

Conditions:
Gorlin syndrome. Also called: Basal cell nevus syndrome; Nevoid Basal Cell Carcinoma Syndrome. Identifiers: Orphanet 377, MedGen C0004779, MONDO:0007187.
PTCH1-related disorder. Also called: PTCH1-related disorders; PTCH1-related condition.

Submissions (2):

Blueprint Genetics
Classification: Likely pathogenic for PTCH1-related disorders. Last evaluated: 2022-10-12. Review status: criteria provided, single submitter. Criteria: ACMG Guidelines, 2015. Collection method: clinical testing. Allele origin: germline. Affected: yes. Observed: 1 variant allele.

3billion
Classification: Likely pathogenic for Basal cell nevus syndrome 1. Last evaluated: 2022-01-03. Review status: criteria provided, single submitter. Criteria: ACMG Guidelines, 2015. Collection method: clinical testing. Allele origin: germline. Affected: yes. Observed: 1 heterozygote.
Comment: Frameshift: predicted to result in a loss or disruption of normal protein function through nonsense-mediated decay (NMD) or protein truncation. Multiple pathogenic variants are reported downstream of the variant (PVS1_VS). It is not observed in the gnomAD v2.1.1 dataset (PM2_M). Therefore, this variant is classified as likely pathogenic according to the recommendation of ACMG/AMP guideline.